The following is an entry in ClinVar:

NM_003126.4(SPTA1):c.2954del (p.Leu985fs)

Gene: SPTA1 (spectrin alpha, erythrocytic 1; minus strand). Cytogenetic location: 1q23.1.
Variant type: Deletion.
Coding change: c.2954del on transcript NM_003126.4 (MANE Select); coding-DNA position 2954, one base deleted (T; older notation c.2954delT).
Protein change: p.Leu985fs; shifts the reading frame from leucine 985.
Molecular consequence: frameshift variant.
Genome position (GRCh38, 1-based): chr1:158,654,693, A deleted on the plus strand (T on the coding strand, the reverse complement: SPTA1 is on the minus strand); the first of 3 consecutive A bases (chr1:158,654,693-158,654,695); deleting any one gives the same sequence. VCF-style (leftmost placement, unchanged base first): chr1-158654692-TA-T. GRCh37 (hg19) VCF-style: chr1-158624482-TA-T.
Other names: short protein forms L985fs.
Identifiers: ClinVar variation 2428579 (VCV002428579.3), dbSNP rs2525133855, ClinGen allele CA2580061238.

ClinVar aggregate classification (germline): Pathogenic (1 of 4 stars; one submission).

Submission:

ARUP Laboratories, Molecular Genetics and Genomics, ARUP Laboratories
Classification: Pathogenic. Last evaluated: 2022-09-16. Review status: criteria provided, single submitter. Criteria: ARUP Molecular Germline Variant Investigation Process 2021. Collection method: clinical testing. Allele origin: germline.
Comment: The SPTA1 c.2954del; p.Leu985TyrfsTer14 variant, to our knowledge, is not reported in the medical literature or gene specific databases. This variant is also absent from the Genome Aggregation Database, indicating it is not a common polymorphism. This variant causes a frameshift by deleting a single nucleotide, so it is predicted to result in a truncated protein or mRNA subject to nonsense-mediated decay. Additionally, several downstream truncating variants have been described in individuals with spherocytosis and are considered pathogenic (Chonat 2019, van Vuren 2019). Based on available information, this variant is considered to be pathogenic.